The following is an entry in ClinVar:

ClinVar aggregate classification (germline): Likely benign (1 of 4 stars; one submission).

Allele frequency attached by ClinVar (database versions not stated): gnomAD 0.00001.
gnomAD v4.1: 14 of 1,614,038 alleles (0.00087%); highest among the groups gnomAD compares: Non-Finnish European, 0.001%; no homozygotes.

Submission:

GeneDx
Classification: Likely benign. Last evaluated: 2022-09-06. Review status: criteria provided, single submitter. Criteria: GeneDx Variant Classification Process June 2021. Collection method: clinical testing. Allele origin: germline. Affected: yes.
Comment: See Variant Classification Assertion Criteria.

NM_006593.4(TBR1):c.523C>G (p.Pro175Ala)

Gene: TBR1 (T-box brain transcription factor 1; plus strand). Cytogenetic location: 2q24.2.
Variant type: single nucleotide variant.
Coding change: c.523C>G on transcript NM_006593.4 (MANE Select); coding-DNA position 523, C replaced by G.
Protein change: p.Pro175Ala; replaces proline 175 with alanine.
Molecular consequence: missense variant.
Genome position (GRCh38, 1-based): chr2:161,416,933, C>G. VCF-style: chr2-161416933-C-G. GRCh37 (hg19) VCF-style: chr2-162273444-C-G.
Other names: short protein forms P175A.
Identifiers: ClinVar variation 1700558 (VCV001700558.3), dbSNP rs775187265, ClinGen allele CA349211583.